The following is an entry in ClinVar:

ClinVar aggregate classification (germline): Uncertain significance (1 of 4 stars; one submission).

Conditions:
Tuberous sclerosis 2 (TSC2). Identifiers: Orphanet 805, MedGen C1860707, MONDO:0013199, OMIM 613254.

Submission:

Labcorp Genetics (formerly Invitae), Labcorp
Classification: Uncertain significance for Tuberous sclerosis 2. Last evaluated: 2025-05-11. Review status: criteria provided, single submitter. Criteria: Invitae Variant Classification Sherloc (09022015). Collection method: clinical testing. Allele origin: germline.
Comment: This variant, c.1112_1114del, results in the deletion of 1 amino acid(s) of the TSC2 protein (p.Gln371del), but otherwise preserves the integrity of the reading frame. This variant is not present in population databases (gnomAD no frequency). This variant has not been reported in the literature in individuals affected with TSC2-related conditions. Experimental studies and prediction algorithms are not available or were not evaluated, and the functional significance of this variant is currently unknown. In summary, the available evidence is currently insufficient to determine the role of this variant in disease. Therefore, it has been classified as a Variant of Uncertain Significance.

NM_000548.5(TSC2):c.1109AGC[1] (p.Gln371del)

Gene: TSC2 (TSC complex subunit 2; plus strand). Cytogenetic location: 16p13.3.
Variant type: Microsatellite.
Coding change: c.1109AGC[1] on transcript NM_000548.5 (MANE Select); one copy of the 3-base unit AGC starting at c.1109; the reference has two copies in a row; one copy, 3 bases deleted.
Protein change: p.Gln371del; deletes glutamine 371.
Molecular consequence: inframe deletion. On other transcripts: inframe indel (22).
Genome position (GRCh38, 1-based): chr16:2,060,806-2,060,808, AGC deleted; deleting any 3 consecutive bases within chr16:2,060,802-2,060,808 gives the same sequence; the position shown is the placement nearest the transcript's 3' end. VCF-style (leftmost placement, unchanged base first): chr16-2060801-TCAG-T. GRCh37 (hg19) VCF-style: chr16-2110802-TCAG-T.
Other names: c.1109AGC[1], p.Gln371del (NM_001370404.1, NM_001370405.1, NM_001077183.3 and 3 more transcripts); c.1109_1111AGC[1], p.Gln371del (NM_001406663.1, NM_001406664.1, NM_001406665.1); c.1199_1201AGC[1], p.Gln401del (NM_001406667.1, NM_001406668.1); c.998_1000AGC[1], p.Gln334del (NM_001406670.1, NM_001406678.1); c.1097_1099AGC[1], p.Gln367del (NM_001406671.1, NM_001406673.1); c.998AGC[1], p.Gln334del (NM_001318827.2); c.962AGC[1], p.Gln322del (NM_001318829.2); c.509AGC[1], p.Gln171del (NM_001318831.2); and 8 more; short protein forms Q334del, Q352del, Q171del, Q367del, Q382del, Q401del, Q217del, Q322del.
Identifiers: ClinVar variation 2118314 (VCV002118314.4), dbSNP rs2548523427, ClinGen allele CA2580613370.